The following is an entry in ClinVar:

NM_015261.3(NCAPD3):c.2862C>T (p.Asp954=)

Gene: NCAPD3 (non-SMC condensin II complex subunit D3; minus strand). Cytogenetic location: 11q25.
Variant type: single nucleotide variant.
Coding change: c.2862C>T on transcript NM_015261.3 (MANE Select); coding-DNA position 2862, C replaced by T.
Protein change: p.Asp954=; no amino-acid change (aspartic acid 954 retained).
Molecular consequence: synonymous variant.
Genome position (GRCh38, 1-based): chr11:134,177,378, G>A on the plus strand (C>T on the coding strand, the complement: NCAPD3 is on the minus strand). VCF-style: chr11-134177378-G-A. GRCh37 (hg19) VCF-style: chr11-134047273-G-A.
Other names: c.2862C>T, p.Asp954= (NM_001372068.1, NM_001372065.1); c.2448C>T, p.Asp816= (NM_001372069.1, NM_001372070.1).
Identifiers: ClinVar variation 2642553 (VCV002642553.24), dbSNP rs140066669, ClinGen allele CA6371112.

ClinVar aggregate classification (germline): Likely benign (1 of 4 stars; one submission).

Allele frequency attached by ClinVar (database versions not stated): ExAC 0.00002; gnomAD 0.00003; TOPMed 0.00003; ESP Exome Variant Server 0.00008.
gnomAD v4.1: 114 of 1,614,112 alleles (0.0071%); highest among the groups gnomAD compares: Non-Finnish European, 0.0086%; no homozygotes.

Submission:

CeGaT Center for Human Genetics Tuebingen
Classification: Likely benign. Last evaluated: 2022-05-01. Review status: criteria provided, single submitter. Criteria: CeGaT Center For Human Genetics Tuebingen Variant Classification Criteria Version 2. Collection method: clinical testing. Allele origin: germline. Affected: yes. Observed: 1 variant allele.
Comment: NCAPD3: BP4, BP7